The following is an entry in ClinVar:

ClinVar aggregate classification (germline): Uncertain significance (1 of 4 stars; one submission).

Conditions:
Cardiovascular phenotype. Identifiers: MedGen CN230736.

Submission:

Ambry Genetics
Classification: Uncertain significance for Cardiovascular phenotype. Last evaluated: 2025-06-15. Review status: criteria provided, single submitter. Criteria: Ambry Variant Classification Scheme 2023. Collection method: clinical testing. Allele origin: germline.
Comment: The p.D305N variant (also known as c.913G>A), located in coding exon 4 of the LOX gene, results from a G to A substitution at nucleotide position 913. The aspartic acid at codon 305 is replaced by asparagine, an amino acid with highly similar properties. This amino acid position is conserved. In addition, this alteration is predicted to be tolerated by in silico analysis. Based on the available evidence, the clinical significance of this variant remains unclear.

NM_002317.7(LOX):c.913G>A (p.Asp305Asn)

Genes: LOX (lysyl oxidase; minus strand), SRFBP1 (serum response factor binding protein 1; plus strand). Cytogenetic location: 5q23.1.
Variant type: single nucleotide variant.
Coding change: c.913G>A on transcript NM_002317.7 (MANE Select); coding-DNA position 913, G replaced by A.
Protein change: p.Asp305Asn; replaces aspartic acid 305 with asparagine.
Molecular consequence: missense variant.
Genome position (GRCh38, 1-based): chr5:122,074,135, C>T on the plus strand (G>A on the coding strand, the complement: LOX is on the minus strand). VCF-style: chr5-122074135-C-T. GRCh37 (hg19) VCF-style: chr5-121409830-C-T.
Other names: c.223G>A, p.Asp75Asn (NM_001178102.2); c.22G>A, p.Asp8Asn (NM_001317073.1); short protein forms D305N, D75N, D8N.
Identifiers: ClinVar variation 4098958 (VCV004098958.1).